The following is an entry in ClinVar:

NM_002528.7(NTHL1):c.297T>G (p.Asp99Glu)

Gene: NTHL1 (nth like DNA glycosylase 1; minus strand). Cytogenetic location: 16p13.3.
Variant type: single nucleotide variant.
Coding change: c.297T>G on transcript NM_002528.7 (MANE Select); coding-DNA position 297, T replaced by G.
Protein change: p.Asp99Glu; replaces aspartic acid 99 with glutamic acid.
Molecular consequence: missense variant. On other transcripts: intron variant (1).
Genome position (GRCh38, 1-based): chr16:2,046,185, A>C on the plus strand (T>G on the coding strand, the complement: NTHL1 is on the minus strand). VCF-style: chr16-2046185-A-C. GRCh37 (hg19) VCF-style: chr16-2096186-A-C.
Other names: c.297T>G, p.Asp99Glu (NM_001318193.2); c.24+95T>G (NM_001318194.2); short protein forms D99E.
Identifiers: ClinVar variation 1729070 (VCV001729070.4), dbSNP rs1596222702, ClinGen allele CA394295533.
Genomic context (GRCh38, chr16:2,046,185, plus strand): 5'-TACCTTTGGGGGGGCACTGGAGTCATAGCAGTGCTCAGTCCCCAGATGGTCCACAGGTGC[A>C]TCCTTTTTGTTCCTCATGGCACGGATGTTGACCAGCTGTTGCTGCCAGTCCTGGGGCTCC-3'
Protein context (NP_002519.2, residues 89-109): VNIRAMRNKK[Asp99Glu]APVDHLGTEH

ClinVar aggregate classification (germline): Uncertain significance. Review status: criteria provided, multiple submitters, no conflicts (2 of 4 stars). 2 submissions from 2 submitters: Uncertain significance (2). Last evaluated 2024-05-27.

Conditions:
Hereditary cancer-predisposing syndrome. Also called: Tumor predisposition; Neoplastic Syndromes, Hereditary; Hereditary Cancer Syndrome; Hereditary neoplastic syndrome. Identifiers: Orphanet 140162, MedGen C0027672, MeSH D009386, MONDO:0015356.

Submissions (2):

Labcorp Genetics (formerly Invitae), Labcorp
Classification: Uncertain significance. Last evaluated: 2024-05-27. Review status: criteria provided, single submitter. Criteria: Invitae Variant Classification Sherloc (09022015). Collection method: clinical testing. Allele origin: germline.
Comment: This sequence change replaces aspartic acid, which is acidic and polar, with glutamic acid, which is acidic and polar, at codon 107 of the NTHL1 protein (p.Asp107Glu). This variant is not present in population databases (gnomAD no frequency). This variant has not been reported in the literature in individuals affected with NTHL1-related conditions. ClinVar contains an entry for this variant (Variation ID: 1729070). An algorithm developed to predict the effect of missense changes on protein structure and function (PolyPhen-2) suggests that this variant is likely to be tolerated. In summary, the available evidence is currently insufficient to determine the role of this variant in disease. Therefore, it has been classified as a Variant of Uncertain Significance.

Ambry Genetics
Classification: Uncertain significance for Hereditary cancer-predisposing syndrome. Last evaluated: 2022-02-02. Review status: criteria provided, single submitter. Criteria: Ambry Variant Classification Scheme 2023. Collection method: clinical testing. Allele origin: germline.
Comment: The p.D107E variant (also known as c.321T>G), located in coding exon 2 of the NTHL1 gene, results from a T to G substitution at nucleotide position 321. The aspartic acid at codon 107 is replaced by glutamic acid, an amino acid with highly similar properties. This amino acid position is conserved. In addition, the in silico prediction for this alteration is inconclusive. Since supporting evidence is limited at this time, the clinical significance of this alteration remains unclear.